The following is an entry in ClinVar:

ClinVar aggregate classification (germline): Likely pathogenic. Review status: criteria provided, single submitter (1 of 4 stars). 2 submissions from 2 submitters: Likely pathogenic (1). 1 of the submissions does not count toward it. Last evaluated 2026-04-01.

Conditions:
Combined oxidative phosphorylation deficiency 28 (COXPD28). Identifiers: Orphanet 466784, MedGen C5569081, MONDO:0014775, OMIM 616794.

Allele frequency attached by ClinVar (database versions not stated): gnomAD exomes 0.00001.
gnomAD v4.1: 9 of 1,609,984 alleles (0.00056%); highest among the groups gnomAD compares: Non-Finnish European, 0.00076%; no homozygotes.

Submissions (2):

GeneDx
Classification: Likely pathogenic. Last evaluated: 2026-04-01. Review status: criteria provided, single submitter. Criteria: GeneDx Variant Classification Process June 2021. Collection method: clinical testing. Allele origin: germline.
Comment: Published functional studies suggest a damaging effect of mitochondrial function (PMID: 26522469); In silico analysis supports that this missense variant has a deleterious effect on protein structure/function; Not observed at significant frequency in large population cohorts (gnomAD); This variant is associated with the following publications: (PMID: 33608280, 26522469, 32827528)

OMIM
Classification: Pathogenic for COMBINED OXIDATIVE PHOSPHORYLATION DEFICIENCY 28. Last evaluated: 2017-10-20. Review status: no assertion criteria provided. Collection method: literature only. Allele origin: germline. Not counted in ClinVar's aggregate classification.

Literature cited by the submitters: PubMed 26522469 (cited by OMIM); Wredenberg, A. Personal Communication. 2016. Stockholm, Sweden (cited by OMIM).

NM_001379210.1(SLC25A26):c.443T>G (p.Val148Gly)

Gene: SLC25A26 (solute carrier family 25 member 26; plus strand). Cytogenetic location: 3p14.1.
Variant type: single nucleotide variant.
Coding change: c.443T>G on transcript NM_001379210.1 (MANE Select); coding-DNA position 443, T replaced by G.
Protein change: p.Val148Gly; replaces valine 148 with glycine.
Molecular consequence: missense variant. On other transcripts: non-coding transcript variant (1).
Genome position (GRCh38, 1-based): chr3:66,263,369, T>G. VCF-style: chr3-66263369-T-G. GRCh37 (hg19) VCF-style: chr3-66313793-T-G.
Other names: c.179T>G, p.Val60Gly (NM_001164796.1, NM_001350993.1); c.443T>G, p.Val148Gly (NM_173471.4); short protein forms V148G, V60G.
Identifiers: ClinVar variation 222006 (VCV000222006.3), dbSNP rs869025313, ClinGen allele CA351631.